The following is an entry in ClinVar:

ClinVar aggregate classification (germline): Pathogenic (1 of 4 stars; one submission).

Conditions:
Familial cancer of breast. Also called: Hereditary breast cancer; BREAST CANCER, FAMILIAL; hereditary breast carcinoma. Identifiers: Orphanet 227535, MedGen C0346153, MONDO:0016419, OMIM 114480. Disease mechanism: loss of function.

Submission:

Myriad Genetics, Inc.
Classification: Pathogenic for Familial cancer of breast. Last evaluated: 2023-09-12. Review status: criteria provided, single submitter. Criteria: Myriad Autosomal Dominant, Autosomal Recessive and X-Linked Classification Criteria (2023). Collection method: clinical testing. Allele origin: unknown.
Comment: This variant is considered pathogenic. This variant creates a frameshift predicted to result in premature protein truncation.

NM_024675.4(PALB2):c.1968_1976delinsGG (p.Glu657fs)

Gene: PALB2 (partner and localizer of BRCA2; minus strand). Cytogenetic location: 16p12.2.
Variant type: Indel.
Coding change: c.1968_1976delinsGG on transcript NM_024675.4 (MANE Select); coding-DNA positions 1968 to 1976, AGAGGAACT replaced by GG.
Protein change: p.Glu657fs; shifts the reading frame from glutamic acid 657.
Molecular consequence: frameshift variant. On other transcripts: intron variant (1).
Genome position (GRCh38, 1-based): chr16:23,630,178-23,630,186, AGTTCCTCT replaced by CC on the plus strand (AGAGGAACT replaced by GG on the coding strand, the reverse complement: PALB2 is on the minus strand). VCF-style: chr16-23630178-AGTTCCTCT-CC. GRCh37 (hg19) VCF-style: chr16-23641499-AGTTCCTCT-CC.
Other names: c.1908_1916delinsGG, p.Glu637fs (NM_001407296.1); c.1968_1976delinsGG, p.Glu657fs (NM_001407297.1, NM_001407298.1, NM_001407299.1 and 3 more transcripts); c.1083_1091delinsGG, p.Glu362fs (NM_001407304.1, NM_001407305.1, NM_001407306.1 and 5 more transcripts); c.180_188delinsGG, p.Glu61fs (NM_001407312.1, NM_001407313.1); c.49-911_49-903delinsGG (NM_001407314.1); short protein forms E362fs, E61fs, E637fs, E657fs.
Identifiers: ClinVar variation 2673865 (VCV002673865.1), dbSNP rs2506428095, ClinGen allele CA2695197511.
Genomic context (GRCh38, chr16:23,630,178, plus strand): 5'-GGTAGAACAATAAGGTCCTCTTCTAAGTCCTCCATTTCTGTATCCATGCGTTTAGGACTC[AGTTCCTCT>CC]GGAAAAATACAGCTTCCCTCTTTAAGATGTCTCTCTCCAAACATTTTTGACTCAAAGGGC-3'